The following is an entry in ClinVar:

NM_145239.3(PRRT2):c.161C>T (p.Thr54Ile)

Genes: MVP-DT (MVP divergent transcript; minus strand), PRRT2 (proline rich transmembrane protein 2; plus strand). Cytogenetic location: 16p11.2.
Variant type: single nucleotide variant.
Coding change: c.161C>T on transcript NM_145239.3 (MANE Select); coding-DNA position 161, C replaced by T.
Protein change: p.Thr54Ile; replaces threonine 54 with isoleucine.
Molecular consequence: missense variant.
Genome position (GRCh38, 1-based): chr16:29,813,215, C>T. VCF-style: chr16-29813215-C-T. GRCh37 (hg19) VCF-style: chr16-29824536-C-T.
Other names: c.161C>T, p.Thr54Ile (NM_001256442.2, NM_001256443.2, NM_001438120.1 and 2 more transcripts); short protein forms T54I.
Identifiers: ClinVar variation 4808238 (VCV004808238.1).

ClinVar aggregate classification (germline): Uncertain significance (1 of 4 stars; one submission).

Conditions:
Episodic kinesigenic dyskinesia (EKD). Also called: Paroxysmal kinesigenic dyskinesia. Identifiers: Orphanet 98809, MedGen C1868682, MONDO:0044202.

Submission:

Labcorp Genetics (formerly Invitae), Labcorp
Classification: Uncertain significance for Episodic kinesigenic dyskinesia. Last evaluated: 2025-11-05. Review status: criteria provided, single submitter. Criteria: Invitae Variant Classification Sherloc (09022015). Collection method: clinical testing. Allele origin: germline.
Comment: This sequence change replaces threonine, which is neutral and polar, with isoleucine, which is neutral and non-polar, at codon 54 of the PRRT2 protein (p.Thr54Ile). This variant is not present in population databases (gnomAD no frequency). This variant has not been reported in the literature in individuals affected with PRRT2-related conditions. Invitae Evidence Modeling of protein sequence and biophysical properties (such as structural, functional, and spatial information, amino acid conservation, physicochemical variation, residue mobility, and thermodynamic stability) indicates that this missense variant is not expected to disrupt PRRT2 protein function with a negative predictive value of 95%. In summary, the available evidence is currently insufficient to determine the role of this variant in disease. Therefore, it has been classified as a Variant of Uncertain Significance.